The following is an entry in ClinVar:

NM_000059.4(BRCA2):c.5851_5854dup (p.Leu1952Ter)

Gene: BRCA2 (BRCA2 DNA repair associated; plus strand). Cytogenetic location: 13q13.1.
Variant type: Duplication.
Coding change: c.5851_5854dup on transcript NM_000059.4 (MANE Select); coding-DNA positions 5851 to 5854, 4 bases duplicated (AGTT; older notation c.5851_5854dupAGTT).
Protein change: p.Leu1952Ter; replaces leucine 1952 with a stop codon.
Molecular consequence: nonsense.
Genome position (GRCh38, 1-based): chr13:32,340,206-32,340,209, AGTT duplicated; duplicating any 4 consecutive bases within chr13:32,340,203-32,340,209 gives the same sequence; the c. name uses the placement nearest the transcript's 3' end. VCF-style (leftmost placement, unchanged base first): chr13-32340202-T-TGTTA. GRCh37 (hg19) VCF-style: chr13-32914339-T-TGTTA.
Other names: c.5851_5854dupAGTT (NM_000059.3); short protein forms L1952*.
Identifiers: ClinVar variation 51951 (VCV000051951.24), dbSNP rs80359543, ClinGen allele CA023304.
Genomic context (GRCh38, chr13:32,340,202, plus strand): 5'-TTTACAACATAACCAAAATATGTCTGGATTGGAGAAAGTTTCTAAAATATCACCTTGTGA[T>TGTTA]GTTAGTTTGGAAACTTCAGATATATGTAAATGTAGTATAGGGAAGCTTCATAAGTCAGTC-3'

ClinVar aggregate classification (germline): Pathogenic. Review status: reviewed by expert panel (3 of 4 stars). 10 submissions from 10 submitters: Pathogenic (1). 9 of the submissions do not count toward it. Last evaluated 2017-12-15.

Conditions:
Hereditary cancer-predisposing syndrome. Also called: Tumor predisposition; Neoplastic Syndromes, Hereditary; Hereditary neoplastic syndrome; Hereditary Cancer Syndrome. Identifiers: Orphanet 140162, MedGen C0027672, MeSH D009386, MONDO:0015356.
Hereditary breast ovarian cancer syndrome. Also called: BRCA1- and BRCA2-Associated Hereditary Breast and Ovarian Cancer; Hereditary breast and ovarian cancer syndrome (HBOC); Breast and ovarian cancer; Hereditary breast and ovarian cancer; Hereditary breast and/or ovarian cancer syndrome; Hereditary breast and ovarian cancer syndrome. Identifiers: Orphanet 145, MedGen C0677776, MeSH D061325, MONDO:0003582. Disease mechanism: loss of function.
Breast-ovarian cancer, familial, susceptibility to, 2 (BROVCA2). Also called: BRCA2 Hereditary Breast and Ovarian Cancer. Identifiers: Orphanet 145, MedGen C2675520, MONDO:0012933, OMIM 612555. Disease mechanism: loss of function.
Familial cancer of breast. Also called: hereditary breast carcinoma; Hereditary breast cancer; BREAST CANCER, FAMILIAL. Identifiers: Orphanet 227535, MedGen C0346153, MONDO:0016419, OMIM 114480. Disease mechanism: loss of function.

Submissions (10):

Evidence-based Network for the Interpretation of Germline Mutant Alleles (ENIGMA)
Classification: Pathogenic for Breast-ovarian cancer, familial, susceptibility to, 2. Last evaluated: 2017-12-15. Review status: reviewed by expert panel. Criteria: ENIGMA BRCA1/2 Classification Criteria (2017-06-29). Collection method: curation. Allele origin: germline. Study: ENIGMA.
Comment: Variant allele predicted to encode a truncated non-functional protein.

Labcorp Genetics (formerly Invitae), Labcorp
Classification: Pathogenic for Hereditary breast ovarian cancer syndrome. Last evaluated: 2025-02-17. Review status: criteria provided, single submitter. Criteria: Invitae Variant Classification Sherloc (09022015). Collection method: clinical testing. Allele origin: germline. Not counted in ClinVar's aggregate classification.
Comment: This sequence change creates a premature translational stop signal (p.Leu1952*) in the BRCA2 gene. It is expected to result in an absent or disrupted protein product. Loss-of-function variants in BRCA2 are known to be pathogenic (PMID: 20104584). This variant is not present in population databases (gnomAD no frequency). This premature translational stop signal has been observed in individual(s) with breast cancer (PMID: 11920621). This variant is also known as 6083insAGTT. ClinVar contains an entry for this variant (Variation ID: 51951). For these reasons, this variant has been classified as Pathogenic.

GeneDx
Classification: Pathogenic. Last evaluated: 2024-11-21. Review status: criteria provided, single submitter. Criteria: GeneDx Variant Classification Process June 2021. Collection method: clinical testing. Allele origin: germline. Affected: yes. Not counted in ClinVar's aggregate classification.
Comment: Nonsense variant predicted to result in protein truncation or nonsense mediated decay in a gene for which loss of function is a known mechanism of disease; Not observed at significant frequency in large population cohorts (gnomAD); Truncating variants in this gene are considered pathogenic by a well-established clinical consortium and/or database; Also known as 6083insAGTT and 6079_6082dup; This variant is associated with the following publications: (PMID: Tria2019[CaseReport], 37310942, 11920621, 38890714)

Baylor Genetics
Classification: Pathogenic for Familial cancer of breast. Last evaluated: 2024-02-01. Review status: criteria provided, single submitter. Criteria: ACMG Guidelines, 2015. Collection method: clinical testing. Allele origin: unknown. Not counted in ClinVar's aggregate classification.

Quest Diagnostics Nichols Institute San Juan Capistrano
Classification: Pathogenic. Last evaluated: 2023-11-09. Review status: criteria provided, single submitter. Criteria: Quest Diagnostics criteria. Collection method: clinical testing. Allele origin: unknown. Not counted in ClinVar's aggregate classification.
Comment: The BRCA2 c.5851_5854dup (p.Leu1952*) variant alters the translational reading frame of the BRCA2 mRNA and causes the premature termination of BRCA2 protein synthesis. This variant has been reported in the published literature in an individual with breast cancer (PMID: 11920621 (2002)). This variant has not been reported in large, multi-ethnic general populations (Genome Aggregation Database). Based on the available information, this variant is classified as pathogenic.

KCCC/NGS Laboratory, Kuwait Cancer Control Center
Classification: Pathogenic for Breast-ovarian cancer, familial, susceptibility to, 2. Last evaluated: 2023-06-06. Review status: criteria provided, single submitter. Criteria: ACMG Guidelines, 2015. Collection method: clinical testing. Allele origin: germline. Affected: yes. Not counted in ClinVar's aggregate classification.
Comment: This variant inserts 4 nucleotides (c.5854_5855insAGTT) in exon 11 of the BRCA2 gene, creating a frameshift and premature translation stop signal (p.L1952*).This variant is expected to result in an absent or non-functional protein product. This variant has been reported in an individual affected with breast cancer with a positive family history of the disease (PMID: 11920621). This variant has not been identified in the general population by the Genome Aggregation Database (gnomAD). Many clinical diagnostic laboratories have submitted clinical-significance assessments for this variant to ClinVar (ID:51951). All laboratories classified the variant as pathogenic. Loss of BRCA2 function is a known mechanism of disease. Based on the available evidence, this variant is classified as Pathogenic.

Ambry Genetics
Classification: Pathogenic for Hereditary cancer-predisposing syndrome. Last evaluated: 2022-06-08. Review status: criteria provided, single submitter. Criteria: Ambry Variant Classification Scheme 2023. Collection method: clinical testing. Allele origin: germline. Not counted in ClinVar's aggregate classification.
Comment: The c.5851_5854dupAGTT pathogenic mutation, located in coding exon 10 of the BRCA2 gene, results from a duplication of AGTT at nucleotide position 5851, causing a translational frameshift with a predicted alternate stop codon (p.L1952*). This alteration was identified in 1/294 individuals from a Filipino female breast cancer cohort and 0/346 cancer-free controls (De Leon Matsuda ML et al. Int. J. Cancer, 2002 Apr;98:596-603). Of note, this alteration is also known as 6083insAGTT in published literature. In addition to the clinical data presented in the literature, this alteration is expected to result in loss of function by premature protein truncation or nonsense-mediated mRNA decay. As such, this alteration is interpreted as a disease-causing mutation.

Women's Health and Genetics/Laboratory Corporation of America, LabCorp
Classification: Pathogenic for Hereditary breast ovarian cancer syndrome. Last evaluated: 2022-02-22. Review status: criteria provided, single submitter. Criteria: LabCorp Variant Classification Summary - May 2015. Collection method: clinical testing. Allele origin: germline. Not counted in ClinVar's aggregate classification.
Comment: Variant summary: BRCA2 c.5851_5854dupAGTT (p.Leu1952X) results in a premature termination codon, predicted to cause a truncation of the encoded protein or absence of the protein due to nonsense mediated decay, which are commonly known mechanisms for disease. Truncations downstream of this position have been classified as pathogenic by our laboratory. The variant was absent in 250970 control chromosomes. c.5851_5854dupAGTT has been reported in the literature in at least one individual affected with Hereditary Breast And Ovarian Cancer Syndrome. Four clinical diagnostic laboratories have submitted clinical-significance assessments for this variant to ClinVar after 2014 without evidence for independent evaluation. All laboratories classified the variant as pathogenic. Based on the evidence outlined above, the variant was classified as pathogenic.

Color Diagnostics, LLC DBA Color Health
Classification: Pathogenic for Hereditary cancer-predisposing syndrome. Last evaluated: 2019-08-21. Review status: criteria provided, single submitter. Criteria: ACMG Guidelines, 2015. Collection method: clinical testing. Allele origin: germline. Not counted in ClinVar's aggregate classification.
Comment: This variant inserts 4 nucleotides in exon 11 of the BRCA2 gene, creating a frameshift and premature translation stop signal. This variant is expected to result in an absent or non-functional protein product. Splice site prediction tools suggest that this variant may not impact RNA splicing. To our knowledge, functional studies have not been performed for this variant. This variant has been reported in an individual affected with breast cancer with a positive family history of the disease (PMID: 11920621). This variant has not been identified in the general population by the Genome Aggregation Database (gnomAD). Loss of BRCA2 function is a known mechanism of disease. Based on the available evidence, this variant is classified as Pathogenic.

ClinVar Staff, National Center for Biotechnology Information (NCBI)
No classification provided. Condition: Familial cancer of breast. Review status: no classification provided. Collection method: literature only. Allele origin: germline. Affected: yes. Not counted in ClinVar's aggregate classification.

Literature cited by the submitters: PubMed 20104584 (cited by Labcorp Genetics (formerly Invitae), Labcorp); PubMed 11920621 (cited by 5 submitters).